The following is an entry in ClinVar:

NM_001670.3(ARVCF):c.2826C>T (p.Pro942=)

Gene: ARVCF (ARVCF delta catenin family member; minus strand). Cytogenetic location: 22q11.21.
Variant type: single nucleotide variant.
Coding change: c.2826C>T on transcript NM_001670.3 (MANE Select); coding-DNA position 2826, C replaced by T.
Protein change: p.Pro942=; no amino-acid change (proline 942 retained).
Molecular consequence: synonymous variant. On other transcripts: intron variant (4).
Genome position (GRCh38, 1-based): chr22:19,971,291, G>A on the plus strand (C>T on the coding strand, the complement: ARVCF is on the minus strand). VCF-style: chr22-19971291-G-A. GRCh37 (hg19) VCF-style: chr22-19958814-G-A.
Other names: c.2619C>T, p.Pro873= (NM_001410839.1, NM_001438683.1); c.2808C>T, p.Pro936= (NM_001438684.1); c.2793C>T, p.Pro931= (NM_001438685.1); c.2749-548C>T (NM_001438693.1); c.2764-548C>T (NM_001438690.1); c.2782-548C>T (NM_001438687.1); c.2575-548C>T (NM_001438694.1).
Identifiers: ClinVar variation 5038750 (VCV005038750.1).

ClinVar aggregate classification (germline): Likely benign (1 of 4 stars; one submission).

gnomAD v4.1: 948 of 1,556,418 alleles (0.061%); highest among the groups gnomAD compares: Admixed American, 0.092%; no homozygotes.

Submission:

CeGaT Center for Human Genetics Tuebingen
Classification: Likely benign. Last evaluated: 2026-07-01. Review status: criteria provided, single submitter. Criteria: CeGaT Center For Human Genetics Tuebingen Variant Classification Criteria Version 2. Collection method: clinical testing. Allele origin: germline. Affected: yes. Observed: 1 variant allele.
Comment: ARVCF: BP4, BP7